The following is an entry in ClinVar:

NM_001211.6(BUB1B):c.2929T>G (p.Phe977Val)

Genes: BUB1B (BUB1 mitotic checkpoint serine/threonine kinase B; plus strand), BUB1B-PAK6 (BUB1B-PAK6 readthrough; plus strand). Cytogenetic location: 15q15.1.
Variant type: single nucleotide variant.
Coding change: c.2929T>G on transcript NM_001211.6 (MANE Select); coding-DNA position 2929, T replaced by G.
Protein change: p.Phe977Val; replaces phenylalanine 977 with valine.
Molecular consequence: missense variant. On other transcripts: intron variant (2).
Genome position (GRCh38, 1-based): chr15:40,218,534, T>G. VCF-style: chr15-40218534-T-G. GRCh37 (hg19) VCF-style: chr15-40510735-T-G.
Other names: c.-201+867T>G (NM_001128628.3); c.-118+867T>G (NM_001128629.3); short protein forms F977V.
Identifiers: ClinVar variation 4867999 (VCV004867999.1).

ClinVar aggregate classification (germline): Uncertain significance (1 of 4 stars; one submission).

Conditions:
Inborn genetic diseases. Identifiers: MedGen C0950123, MeSH D030342.

Submission:

Ambry Genetics
Classification: Uncertain significance for Inborn genetic diseases. Last evaluated: 2026-04-22. Review status: criteria provided, single submitter. Criteria: Ambry Variant Classification Scheme 2023. Collection method: clinical testing. Allele origin: germline.
Comment: The p.F977V variant (also known as c.2929T>G), located in coding exon 22 of the BUB1B gene, results from a T to G substitution at nucleotide position 2929. The phenylalanine at codon 977 is replaced by valine, an amino acid with highly similar properties. This amino acid position is conserved. In addition, this alteration is predicted to be tolerated by in silico analysis. Based on the available evidence, the clinical significance of this variant remains unclear.